The following is an entry in ClinVar:

NM_000372.5(TYR):c.1366+3123A>T

Gene: TYR (tyrosinase; plus strand). Cytogenetic location: 11q14.3.
Variant type: single nucleotide variant.
Coding change: c.1366+3123A>T on transcript NM_000372.5 (MANE Select); 3123 bases into the intron after coding-DNA position 1366, A replaced by T.
Molecular consequence: intron variant.
Genome position (GRCh38, 1-based): chr11:89,288,077, A>T. VCF-style: chr11-89288077-A-T. GRCh37 (hg19) VCF-style: chr11-89021245-A-T.
Identifiers: ClinVar variation 3912070 (VCV003912070.1).

ClinVar aggregate classification (germline): Pathogenic (0 of 4 stars; one submission).

Conditions:
Oculocutaneous albinism type 1A (OCA1A). Also called: Albinism, oculocutaneous, type IA. Identifiers: Orphanet 352731, Orphanet 79431, MedGen C4551504, MONDO:0008745, OMIM 203100. Disease mechanism: loss of function.

Submission:

Department of Dermatology, Faculty of Medicine, Yamagata University
Classification: Pathogenic for Oculocutaneous albinism type 1A. Last evaluated: 2025-06-12. Review status: no assertion criteria provided. Collection method: research. Allele origin: germline, not applicable. Inheritance: Autosomal recessive inheritance. Affected: yes. Observed: 3 variant alleles, 3 compound heterozygotes. Functional consequence: splicing_variant.
Comment: RT-PCR analysis revealed that the c.1366+3123A>T variant causes pseudoexon activation, strongly suggesting this variant is pathogenic.